The following is an entry in ClinVar:

NM_006031.6(PCNT):c.7259C>T (p.Pro2420Leu)

Gene: PCNT (pericentrin; plus strand). Cytogenetic location: 21q22.3.
Variant type: single nucleotide variant.
Coding change: c.7259C>T on transcript NM_006031.6 (MANE Select); coding-DNA position 7259, C replaced by T.
Protein change: p.Pro2420Leu; replaces proline 2420 with leucine.
Molecular consequence: missense variant.
Genome position (GRCh38, 1-based): chr21:46,425,910, C>T. VCF-style: chr21-46425910-C-T. GRCh37 (hg19) VCF-style: chr21-47845824-C-T.
Other names: c.6905C>T, p.Pro2302Leu (NM_001315529.2); short protein forms P2420L, P2302L.
Identifiers: ClinVar variation 211878 (VCV000211878.19), dbSNP rs144633170, ClinGen allele CA206967.
Genomic context (GRCh38, chr21:46,425,910, plus strand): 5'-GTGACGAGAGCCACCAGATCCTGGCGCTGTCAGAAGGCCTTGCACCCCCAAGCGGCGAGC[C>T]ACACCCACCCCGGAAGGAAGACGAGATACAGGACATCTCGCTCCATGGGGGAAAGACGCA-3'
Protein context (NP_006022.3, residues 2410-2430): SEGLAPPSGE[Pro2420Leu]HPPRKEDEIQ

ClinVar aggregate classification (germline): Conflicting classifications of pathogenicity. Review status: criteria provided, conflicting classifications (1 of 4 stars). 5 submissions from 5 submitters: Uncertain significance (4); Likely benign (1). Last evaluated 2026-02-11.

Conditions:
PCNT-related disorder. Also called: PCNT-related condition.
Microcephalic osteodysplastic primordial dwarfism type II (MOPD2). Also called: MOPD II; OSTEODYSPLASTIC PRIMORDIAL DWARFISM, TYPE II; Microcephalic osteodysplastic primordial dwarfism with tooth abnormalities. Identifiers: Orphanet 2637, MedGen C0432246, MONDO:0008872, OMIM 210720.

Allele frequency attached by ClinVar (database versions not stated): gnomAD exomes 0.00002 and 0.00006; ExAC 0.00005; ESP Exome Variant Server 0.00023; gnomAD 0.00034 and 0.00038; TOPMed 0.00039.
gnomAD v4.1: 83 of 1,613,916 alleles (0.0051%); highest among the groups gnomAD compares: African/African-American, 0.1%; no homozygotes.

Submissions (5):

PreventionGenetics, part of Exact Sciences
Classification: Uncertain significance for PCNT-related condition. Last evaluated: 2026-02-11. Review status: criteria provided, single submitter. Criteria: ACMG Guidelines, 2015. Collection method: clinical testing. Allele origin: germline.
Comment: The PCNT c.7259C>T variant is predicted to result in the amino acid substitution p.Pro2420Leu. To our knowledge, this variant has not been reported in the literature. This variant is reported in 0.076% of alleles in individuals of African descent in gnomAD, which is likely too frequent to be a primary cause of disease. Although we suspect that this variant may be benign, at this time, the clinical significance of this variant is uncertain due to the absence of conclusive functional and genetic evidence.

Labcorp Genetics (formerly Invitae), Labcorp
Classification: Uncertain significance. Last evaluated: 2022-06-14. Review status: criteria provided, single submitter. Criteria: Invitae Variant Classification Sherloc (09022015). Collection method: clinical testing. Allele origin: germline.
Comment: This sequence change replaces proline, which is neutral and non-polar, with leucine, which is neutral and non-polar, at codon 2420 of the PCNT protein (p.Pro2420Leu). This variant is present in population databases (rs144633170, gnomAD 0.08%). This variant has not been reported in the literature in individuals affected with PCNT-related conditions. ClinVar contains an entry for this variant (Variation ID: 211878). Algorithms developed to predict the effect of missense changes on protein structure and function are either unavailable or do not agree on the potential impact of this missense change (SIFT: "Tolerated"; PolyPhen-2: "Possibly Damaging"; Align-GVGD: "Class C0"). In summary, the available evidence is currently insufficient to determine the role of this variant in disease. Therefore, it has been classified as a Variant of Uncertain Significance.

ARUP Laboratories, Molecular Genetics and Genomics, ARUP Laboratories
Classification: Likely benign for Microcephalic osteodysplastic primordial dwarfism type II. Last evaluated: 2021-07-16. Review status: criteria provided, single submitter. Criteria: ARUP Molecular Germline Variant Investigation Process 2021. Collection method: clinical testing. Allele origin: germline.

Illumina Laboratory Services, Illumina
Classification: Uncertain significance for Microcephalic osteodysplastic primordial dwarfism type II. Last evaluated: 2018-01-13. Review status: criteria provided, single submitter. Criteria: ICSL Variant Classification Criteria 13 December 2019. Collection method: clinical testing. Allele origin: germline.

Genetic Services Laboratory, University of Chicago
Classification: Uncertain significance. Last evaluated: 2015-05-04. Review status: criteria provided, single submitter. Criteria: ACMG Guidelines, 2015. Collection method: clinical testing. Allele origin: germline.